The following is an entry in ClinVar:

ClinVar aggregate classification (germline): Uncertain significance. Review status: criteria provided, multiple submitters, no conflicts (2 of 4 stars). 2 submissions from 2 submitters: Uncertain significance (2). Last evaluated 2026-03-20.

Conditions:
POLD1-related polyposis and colorectal cancer syndrome (CRCS10). Also called: Colorectal cancer 10; COLORECTAL CANCER, SUSCEPTIBILITY TO, ON CHROMOSOME 19q; Colorectal cancer, susceptibility to, 10. Identifiers: Orphanet 220460, MedGen C2675481, MONDO:0012953, OMIM 612591.
Hereditary cancer-predisposing syndrome. Also called: Tumor predisposition; Hereditary Cancer Syndrome; Hereditary neoplastic syndrome; Neoplastic Syndromes, Hereditary. Identifiers: Orphanet 140162, MedGen C0027672, MeSH D009386, MONDO:0015356.

Allele frequency attached by ClinVar (database versions not stated): gnomAD exomes below 0.00001.
gnomAD v4.1: 4 of 1,614,032 alleles (0.00025%); highest among the groups gnomAD compares: Non-Finnish European, 0.00034%; no homozygotes.

Submissions (2):

Ambry Genetics
Classification: Uncertain significance for Hereditary cancer-predisposing syndrome. Last evaluated: 2026-03-20. Review status: criteria provided, single submitter. Criteria: Ambry Variant Classification Scheme 2023. Collection method: clinical testing. Allele origin: germline.
Comment: The p.D445N variant (also known as c.1333G>A), located in coding exon 10 of the POLD1 gene, results from a G to A substitution at nucleotide position 1333. The aspartic acid at codon 445 is replaced by asparagine, an amino acid with highly similar properties. This amino acid position is conserved. In addition, this alteration is predicted to be tolerated by in silico analysis. Based on the available evidence, the clinical significance of this variant remains unclear.

Labcorp Genetics (formerly Invitae), Labcorp
Classification: Uncertain significance for POLD1-related polyposis and colorectal cancer syndrome. Last evaluated: 2025-02-15. Review status: criteria provided, single submitter. Criteria: Invitae Variant Classification Sherloc (09022015). Collection method: clinical testing. Allele origin: germline.
Comment: This sequence change replaces aspartic acid, which is acidic and polar, with asparagine, which is neutral and polar, at codon 445 of the POLD1 protein (p.Asp445Asn). This variant is not present in population databases (gnomAD no frequency). This variant has not been reported in the literature in individuals affected with POLD1-related conditions. ClinVar contains an entry for this variant (Variation ID: 1987758). Invitae Evidence Modeling of protein sequence and biophysical properties (such as structural, functional, and spatial information, amino acid conservation, physicochemical variation, residue mobility, and thermodynamic stability) indicates that this missense variant is not expected to disrupt POLD1 protein function with a negative predictive value of 80%. In summary, the available evidence is currently insufficient to determine the role of this variant in disease. Therefore, it has been classified as a Variant of Uncertain Significance.

NM_002691.4(POLD1):c.1333G>A (p.Asp445Asn)

Gene: POLD1 (DNA polymerase delta 1, catalytic subunit; plus strand). Cytogenetic location: 19q13.33.
Variant type: single nucleotide variant.
Coding change: c.1333G>A on transcript NM_002691.4 (MANE Select); coding-DNA position 1333, G replaced by A.
Protein change: p.Asp445Asn; replaces aspartic acid 445 with asparagine.
Molecular consequence: missense variant. On other transcripts: non-coding transcript variant (1).
Genome position (GRCh38, 1-based): chr19:50,406,272, G>A. VCF-style: chr19-50406272-G-A. GRCh37 (hg19) VCF-style: chr19-50909529-G-A.
Other names: c.1333G>A, p.Asp445Asn (NM_001256849.1, NM_001308632.1); c.1333G>A (NM_002691.2); short protein forms D445N.
Identifiers: ClinVar variation 1987758 (VCV001987758.5), dbSNP rs2122319678, ClinGen allele CA406979887.